The following is an entry in ClinVar:

ClinVar aggregate classification (germline): Uncertain significance (1 of 4 stars; one submission).

Allele frequency attached by ClinVar (database versions not stated): ExAC 0.00099.

Submission:

GeneDx
Classification: Uncertain significance. Last evaluated: 2023-06-08. Review status: criteria provided, single submitter. Criteria: GeneDx Variant Classification Process June 2021. Collection method: clinical testing. Allele origin: germline. Affected: yes.
Comment: In silico analysis supports that this missense variant has a deleterious effect on protein structure/function; Has not been previously published as pathogenic or benign to our knowledge

NM_007374.3(SIX6):c.533A>C (p.Asn178Thr)

Genes: C14orf39 (chromosome 14 open reading frame 39; minus strand), SIX6 (SIX homeobox 6; plus strand). Cytogenetic location: 14q23.1.
Variant type: single nucleotide variant.
Coding change: c.533A>C on transcript NM_007374.3 (MANE Select); coding-DNA position 533, A replaced by C.
Protein change: p.Asn178Thr; replaces asparagine 178 with threonine.
Molecular consequence: missense variant.
Genome position (GRCh38, 1-based): chr14:60,509,931, A>C. VCF-style: chr14-60509931-A-C. GRCh37 (hg19) VCF-style: chr14-60976649-A-C.
Other names: short protein forms N178T.
Identifiers: ClinVar variation 3253264 (VCV003253264.1), dbSNP rs78978726.